The following is an entry in ClinVar:

ClinVar aggregate classification (germline): Uncertain significance (1 of 4 stars; one submission).

Conditions:
Gorlin syndrome. Also called: Nevoid Basal Cell Carcinoma Syndrome; Basal cell nevus syndrome. Identifiers: Orphanet 377, MedGen C0004779, MONDO:0007187.

Allele frequency attached by ClinVar (database versions not stated): ExAC 0.00001; gnomAD 0.00001; 1000 Genomes Project 30x 0.00031; 1000 Genomes Project 0.00040.
gnomAD v4.1: 4 of 1,613,742 alleles (0.00025%); highest among the groups gnomAD compares: East Asian, 0.0089%; no homozygotes.

Submission:

Labcorp Genetics (formerly Invitae), Labcorp
Classification: Uncertain significance for Gorlin syndrome. Last evaluated: 2025-03-18. Review status: criteria provided, single submitter. Criteria: Invitae Variant Classification Sherloc (09022015). Collection method: clinical testing. Allele origin: germline.
Comment: This sequence change replaces histidine, which is basic and polar, with leucine, which is neutral and non-polar, at codon 751 of the PTCH2 protein (p.His751Leu). This variant is present in population databases (rs560836129, gnomAD 0.01%). This variant has not been reported in the literature in individuals affected with PTCH2-related conditions. ClinVar contains an entry for this variant (Variation ID: 2187608). Invitae Evidence Modeling of protein sequence and biophysical properties (such as structural, functional, and spatial information, amino acid conservation, physicochemical variation, residue mobility, and thermodynamic stability) indicates that this missense variant is not expected to disrupt PTCH2 protein function with a negative predictive value of 80%. In summary, the available evidence is currently insufficient to determine the role of this variant in disease. Therefore, it has been classified as a Variant of Uncertain Significance.

NM_003738.5(PTCH2):c.2252A>T (p.His751Leu)

Gene: PTCH2 (patched 2; minus strand). Cytogenetic location: 1p34.1.
Variant type: single nucleotide variant.
Coding change: c.2252A>T on transcript NM_003738.5 (MANE Select); coding-DNA position 2252, A replaced by T.
Protein change: p.His751Leu; replaces histidine 751 with leucine.
Molecular consequence: missense variant.
Genome position (GRCh38, 1-based): chr1:44,827,521, T>A on the plus strand (A>T on the coding strand, the complement: PTCH2 is on the minus strand). VCF-style: chr1-44827521-T-A. GRCh37 (hg19) VCF-style: chr1-45293193-T-A.
Other names: c.2252A>T, p.His751Leu (NM_001166292.2); short protein forms H751L.
Identifiers: ClinVar variation 2187608 (VCV002187608.4), dbSNP rs560836129, ClinGen allele CA823070.
Genomic context (GRCh38, chr1:44,827,521, plus strand): 5'-GGCAGCACCGCCTTGAGGGAACTGAAGCGCTGGTGCAGATCAAAGAGGGCGCGTTGGGAG[T>A]GGGCGTAGTCAAAGCCACCCTGGGTCACCAGGGCCACCTCGTACAGGGAGAAGTACCTGA-3'
Protein context (NP_003729.3, residues 741-761): LVTQGGFDYA[His751Leu]SQRALFDLHQ